The following is an entry in ClinVar:

ClinVar aggregate classification (germline): Uncertain significance (1 of 4 stars; one submission).

Conditions:
Oto-palato-digital syndrome, type II (OPD2). Also called: FACIOPALATOOSSEOUS SYNDROME; OPD II SYNDROME; Otopalatodigital Syndrome, Type II; Otopalatodigital Syndrome Type 2 (FLNA-OPD2). Identifiers: Orphanet 669, Orphanet 90652, MedGen C1844696, MONDO:0010571, OMIM 304120.
Heterotopia, periventricular, X-linked dominant (PVNH1). Also called: PERIVENTRICULAR NODULAR HETEROTOPIA 1; X-linked periventricular heterotopia; PERIVENTRICULAR NODULAR HETEROTOPIA 4; HETEROTOPIA, PERIVENTRICULAR, 1. Identifiers: Orphanet 2149, Orphanet 82004, MedGen C1848213, MONDO:0010233, OMIM 300049.
Frontometaphyseal dysplasia (FMD1). Identifiers: Orphanet 1826, MedGen C0265293, MONDO:0015942.
Melnick-Needles syndrome (MNS). Also called: MELNICK-NEEDLES OSTEODYSPLASTY; OSTEODYSPLASTY OF MELNICK AND NEEDLES; Melnick-Needles Syndrome (FLNA-MNS). Identifiers: Orphanet 2484, MedGen C0025237, MONDO:0010650, OMIM 309350.

Submission:

Labcorp Genetics (formerly Invitae), Labcorp
Classification: Uncertain significance for Oto-palato-digital syndrome, type II; Heterotopia, periventricular, X-linked dominant; Frontometaphyseal dysplasia; Melnick-Needles syndrome. Last evaluated: 2024-05-07. Review status: criteria provided, single submitter. Criteria: Invitae Variant Classification Sherloc (09022015). Collection method: clinical testing. Allele origin: germline.
Comment: This sequence change replaces histidine, which is basic and polar, with asparagine, which is neutral and polar, at codon 894 of the FLNA protein (p.His894Asn). This variant is not present in population databases (gnomAD no frequency). This variant has not been reported in the literature in individuals affected with FLNA-related conditions. Advanced modeling of protein sequence and biophysical properties (such as structural, functional, and spatial information, amino acid conservation, physicochemical variation, residue mobility, and thermodynamic stability) performed at Invitae indicates that this missense variant is not expected to disrupt FLNA protein function with a negative predictive value of 95%. In summary, the available evidence is currently insufficient to determine the role of this variant in disease. Therefore, it has been classified as a Variant of Uncertain Significance.

NM_001110556.2(FLNA):c.2680C>A (p.His894Asn)

Gene: FLNA (filamin A; minus strand). Cytogenetic location: Xq28.
Variant type: single nucleotide variant.
Coding change: c.2680C>A on transcript NM_001110556.2 (MANE Select); coding-DNA position 2680, C replaced by A.
Protein change: p.His894Asn; replaces histidine 894 with asparagine.
Molecular consequence: missense variant.
Genome position (GRCh38, 1-based): chrX:154,362,125, G>T on the plus strand (C>A on the coding strand, the complement: FLNA is on the minus strand). VCF-style: chrX-154362125-G-T. GRCh37 (hg19) VCF-style: chrX-153590493-G-T.
Other names: c.2680C>A, p.His894Asn (NM_001456.4); short protein forms H894N.
Identifiers: ClinVar variation 2942027 (VCV002942027.3), dbSNP rs2522747368, ClinGen allele CA415233144.
Genomic context (GRCh38, chrX:154,362,125, plus strand): 5'-GTCCTGAGAACTGGACGTCCAGCTTGCCTTTGCCAGCAGCTTTGGCATTTACTGTGAAGT[G>T]GGTGGGCTTGCCAAGCTCGACACCTGAGGAACACACAGGGACCATGTAGGGGCACCCTGC-3'
Protein context (NP_001104026.1, residues 884-904): RTGVELGKPT[His894Asn]FTVNAKAAGK